The following is an entry in ClinVar:

ClinVar aggregate classification (germline): Uncertain significance (1 of 4 stars; one submission).

Conditions:
Osteogenesis imperfecta type 8 (OI8). Identifiers: MedGen C1970458, MONDO:0012581, OMIM 610915.

Allele frequency attached by ClinVar (database versions not stated): gnomAD exomes 0.00001; ExAC 0.00002; gnomAD 0.00002; TOPMed 0.00002.
gnomAD v4.1: 15 of 1,614,040 alleles (0.00093%); highest among the groups gnomAD compares: Admixed American, 0.01%; no homozygotes.

Submission:

Labcorp Genetics (formerly Invitae), Labcorp
Classification: Uncertain significance for Osteogenesis imperfecta type 8. Last evaluated: 2022-05-06. Review status: criteria provided, single submitter. Criteria: Invitae Variant Classification Sherloc (09022015). Collection method: clinical testing. Allele origin: germline.
Comment: This sequence change replaces lysine, which is basic and polar, with arginine, which is basic and polar, at codon 464 of the P3H1 protein (p.Lys464Arg). This variant is present in population databases (rs772818283, gnomAD 0.01%). This variant has not been reported in the literature in individuals affected with P3H1-related conditions. Algorithms developed to predict the effect of missense changes on protein structure and function output the following: SIFT: "Tolerated"; PolyPhen-2: "Benign"; Align-GVGD: "Class C0". The arginine amino acid residue is found in multiple mammalian species, which suggests that this missense change does not adversely affect protein function. Algorithms developed to predict the effect of sequence changes on RNA splicing suggest that this variant may create or strengthen a splice site. In summary, the available evidence is currently insufficient to determine the role of this variant in disease. Therefore, it has been classified as a Variant of Uncertain Significance.

NM_022356.4(P3H1):c.1391A>G (p.Lys464Arg)

Gene: P3H1 (prolyl 3-hydroxylase 1; minus strand). Cytogenetic location: 1p34.2.
Variant type: single nucleotide variant.
Coding change: c.1391A>G on transcript NM_022356.4 (MANE Select); coding-DNA position 1391, A replaced by G.
Protein change: p.Lys464Arg; replaces lysine 464 with arginine.
Molecular consequence: missense variant.
Genome position (GRCh38, 1-based): chr1:42,752,619, T>C on the plus strand (A>G on the coding strand, the complement: P3H1 is on the minus strand). VCF-style: chr1-42752619-T-C. GRCh37 (hg19) VCF-style: chr1-43218290-T-C.
Other names: c.1391A>G, p.Lys464Arg (NM_001146289.2, NM_001243246.2); short protein forms K464R.
Identifiers: ClinVar variation 2046302 (VCV002046302.1), dbSNP rs772818283, ClinGen allele CA801863.